The following is an entry in ClinVar:

ClinVar aggregate classification (germline): Uncertain significance (1 of 4 stars; one submission).

gnomAD v4.1: 1 of 1,550,586 alleles (0.000064%); no homozygotes.

Submission:

Labcorp Genetics (formerly Invitae), Labcorp
Classification: Uncertain significance. Last evaluated: 2024-02-22. Review status: criteria provided, single submitter. Criteria: Invitae Variant Classification Sherloc (09022015). Collection method: clinical testing. Allele origin: germline.
Comment: This sequence change replaces lysine, which is basic and polar, with asparagine, which is neutral and polar, at codon 274 of the EXOSC8 protein (p.Lys274Asn). This variant is present in population databases (no rsID available, gnomAD 0.007%). This variant has not been reported in the literature in individuals affected with EXOSC8-related conditions. An algorithm developed to predict the effect of missense changes on protein structure and function (PolyPhen-2) suggests that this variant is likely to be tolerated. In summary, the available evidence is currently insufficient to determine the role of this variant in disease. Therefore, it has been classified as a Variant of Uncertain Significance.

NM_181503.3(EXOSC8):c.822A>T (p.Lys274Asn)

Gene: EXOSC8 (exosome component 8; plus strand). Cytogenetic location: 13q13.3.
Variant type: single nucleotide variant.
Coding change: c.822A>T on transcript NM_181503.3 (MANE Select); coding-DNA position 822, A replaced by T.
Protein change: p.Lys274Asn; replaces lysine 274 with asparagine.
Molecular consequence: missense variant.
Genome position (GRCh38, 1-based): chr13:37,009,290, A>T. VCF-style: chr13-37009290-A-T. GRCh37 (hg19) VCF-style: chr13-37583427-A-T.
Other names: short protein forms K274N.
Identifiers: ClinVar variation 2761966 (VCV002761966.3), dbSNP rs915746741, ClinGen allele CA387855107.